The following is an entry in ClinVar:

ClinVar aggregate classification (germline): Likely benign (0 of 4 stars; one submission).

Conditions:
HEPHL1-related disorder. Also called: HEPHL1-related condition.

Allele frequency attached by ClinVar (database versions not stated): gnomAD exomes 0.00033; ExAC 0.00063; 1000 Genomes Project 0.00140; ESP Exome Variant Server 0.00160; gnomAD 0.00182; 1000 Genomes Project 30x 0.00203; TOPMed 0.00206.
gnomAD v4.1: 758 of 1,613,644 alleles (0.047%); highest among the groups gnomAD compares: African/African-American, 0.64%; 4 homozygotes.

Submission:

PreventionGenetics, part of Exact Sciences
Classification: Likely benign for HEPHL1-related condition. Last evaluated: 2019-11-16. Review status: no assertion criteria provided. Collection method: clinical testing. Allele origin: germline.
Comment: This variant is classified as likely benign based on ACMG/AMP sequence variant interpretation guidelines (Richards et al. 2015 PMID: 25741868, with internal and published modifications).

NM_001098672.2(HEPHL1):c.241C>T (p.Arg81Cys)

Gene: HEPHL1 (hephaestin like 1; plus strand). Cytogenetic location: 11q21.
Variant type: single nucleotide variant.
Coding change: c.241C>T on transcript NM_001098672.2 (MANE Select); coding-DNA position 241, C replaced by T.
Protein change: p.Arg81Cys; replaces arginine 81 with cysteine.
Molecular consequence: missense variant.
Genome position (GRCh38, 1-based): chr11:94,045,743, C>T. VCF-style: chr11-94045743-C-T. GRCh37 (hg19) VCF-style: chr11-93778909-C-T.
Other names: short protein forms R81C.
Identifiers: ClinVar variation 3033145 (VCV003033145.2), dbSNP rs143861250, ClinGen allele CA6232905.
Genomic context (GRCh38, chr11:94,045,743, plus strand): 5'-TTATTTCTCGAAAGAGGGCCCAACAGGATAGGCAGTATTTACAAAAAGGCTGTTTACAGA[C>T]GCTTCACGGATGGAACCTACTCCATAGAGATCCCCAAACCTCCCTGGCTTGGATTCCTGG-3'
Protein context (NP_001092142.1, residues 71-91): GSIYKKAVYR[Arg81Cys]FTDGTYSIEI